The following is an entry in ClinVar:

NM_018094.5(GSPT2):c.388A>G (p.Met130Val)

Gene: GSPT2 (G1 to S phase transition 2; plus strand). Cytogenetic location: Xp11.22.
Variant type: single nucleotide variant.
Coding change: c.388A>G on transcript NM_018094.5 (MANE Select); coding-DNA position 388, A replaced by G.
Protein change: p.Met130Val; replaces methionine 130 with valine.
Molecular consequence: missense variant.
Genome position (GRCh38, 1-based): chrX:51,744,014, A>G. VCF-style: chrX-51744014-A-G. GRCh37 (hg19) VCF-style: chrX-51487110-A-G.
Other names: short protein forms M130V.
Identifiers: ClinVar variation 2632411 (VCV002632411.1), dbSNP rs782797091, ClinGen allele CA10417256.
Genomic context (GRCh38, chrX:51,744,014, plus strand): 5'-GTGGAACCTTCCCGAGAGGAACCGTTAGTGTCGCTTGAAGGTTCCAATTCAGCCGTTACC[A>G]TGGAACTTTCAGAACCTGTTGTAGAAAATGGAGAGGTGGAAATGGCCCTAGAAGAATCAT-3'
Protein context (NP_060564.2, residues 120-140): SLEGSNSAVT[Met130Val]ELSEPVVENG

ClinVar aggregate classification (germline): Uncertain significance (1 of 4 stars; one submission).

Conditions:
GSPT2-related disorder. Also called: GSPT2-related condition.

Allele frequency attached by ClinVar (database versions not stated): gnomAD exomes below 0.00001; ExAC 0.00001.

Submission:

PreventionGenetics, part of Exact Sciences
Classification: Uncertain significance for GSPT2-related condition. Last evaluated: 2023-05-27. Review status: criteria provided, single submitter. Criteria: ACMG Guidelines, 2015. Collection method: clinical testing. Allele origin: germline.
Comment: The GSPT2 c.388A>G variant is predicted to result in the amino acid substitution p.Met130Val. To our knowledge, this variant has not been reported in the literature. This variant is reported in 0.0013% of alleles in individuals of European (Non-Finnish) descent in gnomAD. At this time, the clinical significance of this variant is uncertain due to the absence of conclusive functional and genetic evidence.